The following is an entry in ClinVar:

ClinVar aggregate classification (germline): Likely benign. Review status: criteria provided, multiple submitters, no conflicts (2 of 4 stars). 7 submissions from 6 submitters: Likely benign (7). Last evaluated 2025-11-17.

Conditions:
Adams-Oliver syndrome 5 (AOS5). Identifiers: Orphanet 974, MedGen C4014970, MONDO:0014459, OMIM 616028.
Aortic valve disease 1 (AOVD1). Identifiers: MedGen C3887892, MONDO:0024523, OMIM 109730.
Familial thoracic aortic aneurysm and aortic dissection (TAAD). Also called: Thoracic aortic aneurysms and dissections. Identifiers: Orphanet 91387, MedGen C4707243, MONDO:0019625.

Allele frequency attached by ClinVar (database versions not stated): ExAC 0.00002; gnomAD 0.00003 and 0.00004; gnomAD exomes 0.00003; TOPMed 0.00004; ESP Exome Variant Server 0.00008.
gnomAD v4.1: 48 of 1,589,576 alleles (0.003%); highest among the groups gnomAD compares: Middle Eastern, 0.017%; no homozygotes.

Submissions (7):

Women's Health and Genetics/Laboratory Corporation of America, LabCorp
Classification: Likely benign. Last evaluated: 2025-11-17. Review status: criteria provided, single submitter. Criteria: LabCorp Variant Classification Summary - May 2015. Collection method: clinical testing. Allele origin: germline.

Labcorp Genetics (formerly Invitae), Labcorp
Classification: Likely benign for Adams-Oliver syndrome 5. Last evaluated: 2025-08-23. Review status: criteria provided, single submitter. Criteria: Invitae Variant Classification Sherloc (09022015). Collection method: clinical testing. Allele origin: germline.

Ambry Genetics
Classification: Likely benign for Familial thoracic aortic aneurysm and aortic dissection. Last evaluated: 2023-01-22. Review status: criteria provided, single submitter. Criteria: Ambry Variant Classification Scheme 2023. Collection method: clinical testing. Allele origin: germline.

CeGaT Center for Human Genetics Tuebingen
Classification: Likely benign. Last evaluated: 2022-04-01. Review status: criteria provided, single submitter. Criteria: CeGaT Center For Human Genetics Tuebingen Variant Classification Criteria Version 2. Collection method: clinical testing. Allele origin: germline. Affected: yes. Observed: 1 variant allele.
Comment: NOTCH1: BP4, BP7

Genome-Nilou Lab
Classification: Likely benign for Adams-Oliver syndrome 5. Last evaluated: 2022-03-15. Review status: criteria provided, single submitter. Criteria: ACMG Guidelines, 2015. Collection method: clinical testing. Allele origin: germline. Affected: no.

Genome-Nilou Lab
Classification: Likely benign for Aortic valve disease 1. Last evaluated: 2022-03-15. Review status: criteria provided, single submitter. Criteria: ACMG Guidelines, 2015. Collection method: clinical testing. Allele origin: germline. Affected: no.

GeneDx
Classification: Likely benign. Last evaluated: 2021-08-10. Review status: criteria provided, single submitter. Criteria: GeneDx Variant Classification Process June 2021. Collection method: clinical testing. Allele origin: germline. Affected: yes.

Literature cited by the submitters: PubMed 24943832 (cited by Women's Health and Genetics/Laboratory Corporation of America, LabCorp); PubMed 16614245 (cited by Women's Health and Genetics/Laboratory Corporation of America, LabCorp); PubMed 21670202 (cited by Women's Health and Genetics/Laboratory Corporation of America, LabCorp); PubMed 22210878 (cited by Women's Health and Genetics/Laboratory Corporation of America, LabCorp); PubMed 19635999 (cited by Women's Health and Genetics/Laboratory Corporation of America, LabCorp); PubMed 26837699 (cited by Women's Health and Genetics/Laboratory Corporation of America, LabCorp); PubMed 23086750 (cited by Women's Health and Genetics/Laboratory Corporation of America, LabCorp); PubMed 19245433 (cited by Women's Health and Genetics/Laboratory Corporation of America, LabCorp); PubMed 22077063 (cited by Women's Health and Genetics/Laboratory Corporation of America, LabCorp); PubMed 15472075 (cited by Women's Health and Genetics/Laboratory Corporation of America, LabCorp); PubMed 23734977 (cited by Women's Health and Genetics/Laboratory Corporation of America, LabCorp); PubMed 22858860 (cited by Women's Health and Genetics/Laboratory Corporation of America, LabCorp).

NM_017617.5(NOTCH1):c.4713C>T (p.Ala1571=)

Gene: NOTCH1 (notch receptor 1; minus strand). Cytogenetic location: 9q34.3.
Variant type: single nucleotide variant.
Coding change: c.4713C>T on transcript NM_017617.5 (MANE Select); coding-DNA position 4713, C replaced by T.
Protein change: p.Ala1571=; no amino-acid change (alanine 1571 retained).
Molecular consequence: synonymous variant.
Genome position (GRCh38, 1-based): chr9:136,504,978, G>A on the plus strand (C>T on the coding strand, the complement: NOTCH1 is on the minus strand). VCF-style: chr9-136504978-G-A. GRCh37 (hg19) VCF-style: chr9-139399430-G-A.
Identifiers: ClinVar variation 702876 (VCV000702876.39), dbSNP rs377357743, ClinGen allele CA5340529.